The following is an entry in ClinVar:

NM_014159.7(SETD2):c.1622G>T (p.Arg541Leu)

Gene: SETD2 (SET domain containing 2, histone lysine methyltransferase; minus strand). Cytogenetic location: 3p21.31.
Variant type: single nucleotide variant.
Coding change: c.1622G>T on transcript NM_014159.7 (MANE Select); coding-DNA position 1622, G replaced by T.
Protein change: p.Arg541Leu; replaces arginine 541 with leucine.
Molecular consequence: missense variant. On other transcripts: non-coding transcript variant (1).
Genome position (GRCh38, 1-based): chr3:47,123,014, C>A on the plus strand (G>T on the coding strand, the complement: SETD2 is on the minus strand). VCF-style: chr3-47123014-C-A. GRCh37 (hg19) VCF-style: chr3-47164504-C-A.
Other names: c.1490G>T, p.Arg497Leu (NM_001349370.3); short protein forms R497L, R541L.
Identifiers: ClinVar variation 4686155 (VCV004686155.1).

ClinVar aggregate classification (germline): Uncertain significance (1 of 4 stars; one submission).

Submission:

GeneDx
Classification: Uncertain significance. Last evaluated: 2025-07-16. Review status: criteria provided, single submitter. Criteria: GeneDx Variant Classification Process June 2021. Collection method: clinical testing. Allele origin: germline. Affected: yes.
Comment: Not observed at significant frequency in large population cohorts (gnomAD); In silico analysis supports that this missense variant has a deleterious effect on protein structure/function; Has not been previously published as pathogenic or benign to our knowledge